The following is an entry in ClinVar:

NM_080701.4(TREX2):c.447G>A (p.Pro149=)

Gene: TREX2 (three prime repair exonuclease 2; minus strand). Cytogenetic location: Xq28.
Variant type: single nucleotide variant.
Coding change: c.447G>A on transcript NM_080701.4 (MANE Select); coding-DNA position 447, G replaced by A.
Protein change: p.Pro149=; no amino-acid change (proline 149 retained).
Molecular consequence: synonymous variant.
Genome position (GRCh38, 1-based): chrX:153,444,984, C>T on the plus strand (G>A on the coding strand, the complement: TREX2 is on the minus strand). VCF-style: chrX-153444984-C-T. GRCh37 (hg19) VCF-style: chrX-152710442-C-T.
Other names: c.447G>A, p.Pro149= (NM_007205.3).
Identifiers: ClinVar variation 2661688 (VCV002661688.24), dbSNP rs782443247, ClinGen allele CA10546539.
Genomic context (GRCh38, chrX:153,444,984, plus strand): 5'-ACCCTGGCGGCCCCGGGCCCGGGTGCCGTGGCTGTGGGCGCGGTCCAGGCCCCGCAGGGC[C>T]GGCAGCGTGTCCAGGCAGACAGTGTCCCGGGGCAGGCGGGCACCCAGGCGCCGCAGCTCG-3'
Protein context (NP_542432.2, residues 139-159): PRDTVCLDTL[Pro149=]ALRGLDRAHS

ClinVar aggregate classification (germline): Likely benign (1 of 4 stars; one submission).

Allele frequency attached by ClinVar (database versions not stated): 1000 Genomes Project 30x 0.00083; 1000 Genomes Project 0.00106.

Submission:

CeGaT Center for Human Genetics Tuebingen
Classification: Likely benign. Last evaluated: 2022-12-01. Review status: criteria provided, single submitter. Criteria: CeGaT Center For Human Genetics Tuebingen Variant Classification Criteria Version 2. Collection method: clinical testing. Allele origin: germline. Affected: yes. Observed: 1 variant allele.
Comment: TREX2: BP4, BP7, BS2